The following is an entry in ClinVar:

ClinVar aggregate classification (germline): Benign/Likely benign. Review status: criteria provided, multiple submitters, no conflicts (2 of 4 stars). 6 submissions from 6 submitters: Benign (3); Likely benign (2). 1 of the submissions does not count toward it. Last evaluated 2026-01-31.

Conditions:
Holocarboxylase synthetase deficiency. Also called: MULTIPLE CARBOXYLASE DEFICIENCY, EARLY ONSET. Identifiers: Orphanet 79242, MedGen C0268581, MONDO:0009666, OMIM 253270.

Allele frequency attached by ClinVar (database versions not stated): gnomAD exomes 0.00059 and 0.00143; ExAC 0.00172; ESP Exome Variant Server 0.00592; gnomAD 0.00597 and 0.00642; TOPMed 0.00691; 1000 Genomes Project 0.00839; 1000 Genomes Project 30x 0.00984.

Submissions (6):

Labcorp Genetics (formerly Invitae), Labcorp
Classification: Benign for Holocarboxylase synthetase deficiency. Last evaluated: 2026-01-31. Review status: criteria provided, single submitter. Criteria: Invitae Variant Classification Sherloc (09022015). Collection method: clinical testing. Allele origin: germline.

Illumina Laboratory Services, Illumina
Classification: Benign for Holocarboxylase synthetase deficiency. Last evaluated: 2017-04-27. Review status: criteria provided, single submitter. Criteria: ICSL Variant Classification Criteria 13 December 2019. Collection method: clinical testing. Allele origin: germline.
Comment: This variant was observed as part of a predisposition screen in an ostensibly healthy population. A literature search was performed for the gene, cDNA change, and amino acid change (where applicable). No publications were found based on this search. Allele frequency data from public databases was too high to be consistent with this variant causing disease. Therefore, this variant is classified as benign.

Center for Pediatric Genomic Medicine, Children's Mercy Hospital and Clinics
Classification: Likely benign. Last evaluated: 2016-10-11. Review status: criteria provided, single submitter. Criteria: ACMG Guidelines, 2015. Collection method: clinical testing. Allele origin: germline.
ClinVar note: Converted during submission from Likely Benign to Likely benign.

GeneDx
Classification: Benign. Last evaluated: 2015-03-03. Review status: criteria provided, single submitter. Criteria: GeneDx Variant Classification Process June 2021. Collection method: clinical testing. Allele origin: germline. Affected: yes.

Breakthrough Genomics
Classification: Likely benign. Review status: criteria provided, single submitter. Criteria: ACMG Guidelines, 2015. Collection method: not provided. Allele origin: germline. Inheritance: Autosomal recessive inheritance. Affected: yes.

Natera, Inc.
Classification: Benign for Holocarboxylase synthetase deficiency. Last evaluated: 2019-12-13. Review status: no assertion criteria provided. Collection method: clinical testing. Allele origin: germline. Not counted in ClinVar's aggregate classification.

NM_001352514.2(HLCS):c.1969G>A (p.Gly657Arg)

Gene: HLCS (holocarboxylase synthetase; minus strand). Cytogenetic location: 21q22.13.
Variant type: single nucleotide variant.
Coding change: c.1969G>A on transcript NM_001352514.2 (MANE Select); coding-DNA position 1969, G replaced by A.
Protein change: p.Gly657Arg; replaces glycine 657 with arginine.
Molecular consequence: missense variant. On other transcripts: non-coding transcript variant (2).
Genome position (GRCh38, 1-based): chr21:36,765,164, C>T on the plus strand (G>A on the coding strand, the complement: HLCS is on the minus strand). VCF-style: chr21-36765164-C-T. GRCh37 (hg19) VCF-style: chr21-38137465-C-T.
Other names: c.1528G>A, p.Gly510Arg (NM_000411.8, NM_001242784.3, NM_001242785.2 and 4 more transcripts); short protein forms G510R, G657R.
Identifiers: ClinVar variation 377219 (VCV000377219.24), dbSNP rs75867009, ClinGen allele CA10020396.